The following is an entry in ClinVar:

ClinVar aggregate classification (germline): Likely benign. Review status: criteria provided, multiple submitters, no conflicts (2 of 4 stars). 7 submissions from 7 submitters: Likely benign (6). 1 of the submissions does not count toward it. Last evaluated 2026-01-14.

Conditions:
TNXB-related disorder. Also called: TNXB-related condition.
Cardiovascular phenotype. Identifiers: MedGen CN230736.

Allele frequency attached by ClinVar (database versions not stated): gnomAD 0.00012 and 0.00014; gnomAD exomes 0.00017; ExAC 0.00018; TOPMed 0.00025.
gnomAD v4.1: 218 of 1,547,892 alleles (0.014%); highest among the groups gnomAD compares: Admixed American, 0.061%; no homozygotes.

Submissions (7):

Labcorp Genetics (formerly Invitae), Labcorp
Classification: Likely benign. Last evaluated: 2026-01-14. Review status: criteria provided, single submitter. Criteria: Invitae Variant Classification Sherloc (09022015). Collection method: clinical testing. Allele origin: germline.

Mayo Clinic Laboratories, Mayo Clinic
Classification: Likely benign. Last evaluated: 2025-06-06. Review status: criteria provided, single submitter. Criteria: ACMG Guidelines, 2015. Collection method: clinical testing. Allele origin: germline. Observed: 1 variant allele.
Comment: BP4, BP7

Women's Health and Genetics/Laboratory Corporation of America, LabCorp
Classification: Likely benign. Last evaluated: 2025-03-18. Review status: criteria provided, single submitter. Criteria: LabCorp Variant Classification Summary - May 2015. Collection method: clinical testing. Allele origin: germline.

GeneDx
Classification: Likely benign. Last evaluated: 2021-10-28. Review status: criteria provided, single submitter. Criteria: GeneDx Variant Classification Process June 2021. Collection method: clinical testing. Allele origin: germline. Affected: yes.

Ambry Genetics
Classification: Likely benign for Cardiovascular phenotype. Last evaluated: 2021-04-29. Review status: criteria provided, single submitter. Criteria: Ambry Variant Classification Scheme 2023. Collection method: clinical testing. Allele origin: germline.

Breakthrough Genomics
Classification: Likely benign. Review status: criteria provided, single submitter. Criteria: ACMG Guidelines, 2015. Collection method: not provided. Allele origin: germline. Inheritance: Autosomal recessive inheritance. Affected: yes.

PreventionGenetics, part of Exact Sciences
Classification: Likely benign for TNXB-related condition. Last evaluated: 2019-02-21. Review status: no assertion criteria provided. Collection method: clinical testing. Allele origin: germline. Not counted in ClinVar's aggregate classification.
Comment: This variant is classified as likely benign based on ACMG/AMP sequence variant interpretation guidelines (Richards et al. 2015 PMID: 25741868, with internal and published modifications).

NM_001365276.2(TNXB):c.24A>G (p.Leu8=)

Gene: TNXB (tenascin XB; minus strand). Cytogenetic location: 6p21.33.
Variant type: single nucleotide variant.
Coding change: c.24A>G on transcript NM_001365276.2 (MANE Select); coding-DNA position 24, A replaced by G.
Protein change: p.Leu8=; no amino-acid change (leucine 8 retained).
Molecular consequence: synonymous variant.
Genome position (GRCh38, 1-based): chr6:32,098,175, T>C on the plus strand (A>G on the coding strand, the complement: TNXB is on the minus strand). VCF-style: chr6-32098175-T-C. GRCh37 (hg19) VCF-style: chr6-32065952-T-C.
Other names: p.Leu8=; c.24A>G, p.Leu8= (NM_019105.8).
Identifiers: ClinVar variation 1182775 (VCV001182775.12), dbSNP rs766952974, ClinGen allele CA3735926.